The following is an entry in ClinVar:

NM_003611.3(OFD1):c.2598A>C (p.Pro866=)

Gene: OFD1 (OFD1 centriole and centriolar satellite protein; plus strand). Cytogenetic location: Xp22.2.
Variant type: single nucleotide variant.
Coding change: c.2598A>C on transcript NM_003611.3 (MANE Select); coding-DNA position 2598, A replaced by C.
Protein change: p.Pro866=; no amino-acid change (proline 866 retained).
Molecular consequence: synonymous variant.
Genome position (GRCh38, 1-based): chrX:13,763,854, A>C. VCF-style: chrX-13763854-A-C. GRCh37 (hg19) VCF-style: chrX-13781973-A-C.
Other names: c.2478A>C, p.Pro826= (NM_001330209.2); c.2178A>C, p.Pro726= (NM_001330210.2).
Identifiers: ClinVar variation 1393229 (VCV001393229.6), dbSNP rs2048026816, ClinGen allele CA515466910.

ClinVar aggregate classification (germline): Uncertain significance (1 of 4 stars; one submission).

Conditions:
Joubert syndrome. Also called: CEREBELLOPARENCHYMAL DISORDER IV; JOUBERT-BOLTSHAUSER SYNDROME; Familial aplasia of the vermis. Identifiers: Orphanet 475, MedGen C5979921, MONDO:0018772.
Orofaciodigital syndrome I (OFD1). Also called: OFDS I; Papillon-Leage and Psaume Syndrome; Oral-Facial-Digital Syndrome Type I. Identifiers: Orphanet 2750, MedGen C1510460, MONDO:0010702, OMIM 311200.

Allele frequency attached by ClinVar (database versions not stated): gnomAD exomes below 0.00001; TOPMed below 0.00001; gnomAD 0.00001.
gnomAD v4.1: 6 of 1,191,128 alleles (0.0005%); highest among the groups gnomAD compares: Admixed American, 0.0022%; no homozygotes.

Submission:

Labcorp Genetics (formerly Invitae), Labcorp
Classification: Uncertain significance for Orofaciodigital syndrome I; Joubert syndrome. Last evaluated: 2024-11-11. Review status: criteria provided, single submitter. Criteria: Invitae Variant Classification Sherloc (09022015). Collection method: clinical testing. Allele origin: germline.
Comment: This sequence change affects codon 866 of the OFD1 mRNA. It is a 'silent' change, meaning that it does not change the encoded amino acid sequence of the OFD1 protein. It affects a nucleotide within the consensus splice site. This variant is not present in population databases (gnomAD no frequency). This variant has not been reported in the literature in individuals affected with OFD1-related conditions. ClinVar contains an entry for this variant (Variation ID: 1393229). Algorithms developed to predict the effect of sequence changes on RNA splicing suggest that this variant may disrupt the consensus splice site. In summary, the available evidence is currently insufficient to determine the role of this variant in disease. Therefore, it has been classified as a Variant of Uncertain Significance.